The following is an entry in ClinVar:

NM_000057.4(BLM):c.2455C>T (p.Gln819Ter)

Gene: BLM (BLM RecQ like helicase; plus strand). Cytogenetic location: 15q26.1.
Variant type: single nucleotide variant.
Coding change: c.2455C>T on transcript NM_000057.4 (MANE Select); coding-DNA position 2455, C replaced by T.
Protein change: p.Gln819Ter; replaces glutamine 819 with a stop codon.
Molecular consequence: nonsense.
Genome position (GRCh38, 1-based): chr15:90,769,486, C>T. VCF-style: chr15-90769486-C-T. GRCh37 (hg19) VCF-style: chr15-91312716-C-T.
Other names: c.2455C>T, p.Gln819Ter (NM_001287246.2, NM_001287247.2); c.1330C>T, p.Gln444Ter (NM_001287248.2); short protein forms Q819*, Q444*.
Identifiers: ClinVar variation 5005484 (VCV005005484.2).

ClinVar aggregate classification (germline): Likely pathogenic (1 of 4 stars; one submission).

Conditions:
Bloom syndrome (BLM). Also called: Bloom-Torre-Machacek syndrome. Identifiers: Orphanet 125, MedGen C0005859, MONDO:0008876, OMIM 210900.

Submission:

Juno Genomics, Hangzhou Juno Genomics, Inc
Classification: Likely pathogenic for Bloom syndrome. Review status: criteria provided, single submitter. Criteria: ACMG Guidelines, 2015. Collection method: clinical testing. Allele origin: germline.
Comment: Null variant in a gene where loss of function (LOF) is a known mechanism of disease.;Absent from controls (or at extremely low frequency if recessive) in Genome Aggregation Database.